The following is an entry in ClinVar:

ClinVar aggregate classification (germline): Uncertain significance. Review status: criteria provided, multiple submitters, no conflicts (2 of 4 stars). 2 submissions from 2 submitters: Uncertain significance (2). Last evaluated 2024-09-30.

Conditions:
Hereditary cancer-predisposing syndrome. Also called: Tumor predisposition; Hereditary Cancer Syndrome; Hereditary neoplastic syndrome; Neoplastic Syndromes, Hereditary. Identifiers: Orphanet 140162, MedGen C0027672, MeSH D009386, MONDO:0015356.
Neurofibromatosis, type 2 (SWNV). Also called: NF2-Related Schwannomatosis; BILATERAL ACOUSTIC NEUROFIBROMATOSIS; SCHWANNOMATOSIS, VESTIBULAR. Identifiers: Orphanet 637, MedGen C0027832, MONDO:0007039, OMIM 101000. Disease mechanism: loss of function.

Submissions (2):

Ambry Genetics
Classification: Uncertain significance for Hereditary cancer-predisposing syndrome. Last evaluated: 2024-09-30. Review status: criteria provided, single submitter. Criteria: Ambry Variant Classification Scheme 2023. Collection method: clinical testing. Allele origin: germline.
Comment: The p.F507L variant (also known as c.1521C>G), located in coding exon 14 of the NF2 gene, results from a C to G substitution at nucleotide position 1521. The phenylalanine at codon 507 is replaced by leucine, an amino acid with highly similar properties. This amino acid position is conserved. In addition, the in silico prediction for this alteration is inconclusive. Based on the available evidence, the clinical significance of this variant remains unclear.

All of Us Research Program, National Institutes of Health
Classification: Uncertain significance for Neurofibromatosis, type 2. Last evaluated: 2024-07-29. Review status: criteria provided, single submitter. Criteria: ACMG Guidelines, 2015. Collection method: clinical testing. Allele origin: germline. Inheritance: Autosomal dominant inheritance. Observed: 1 variant allele, 1 heterozygote.
Comment: This missense variant replaces phenylalanine with leucine at codon 507 of the NF2 protein. Computational prediction suggests that this variant may not impact protein structure and function (internally defined REVEL score threshold <= 0.5, PMID: 27666373). To our knowledge, functional studies have not been reported for this variant. This variant has not been reported in individuals affected with NF2-related disorders in the literature. This variant has not been identified in the general population by the Genome Aggregation Database (gnomAD). The available evidence is insufficient to determine the role of this variant in disease conclusively. Therefore, this variant is classified as a Variant of Uncertain Significance.

This study involves interpretation of variants in research participants for the purpose of population health screening. Participant phenotype was not available at the time of variant classification. Additional details can be found in publication PMID: 35346344, PMCID: PMC8962531

NM_000268.4(NF2):c.1521C>G (p.Phe507Leu)

Gene: NF2 (NF2, moesin-ezrin-radixin like (MERLIN) tumor suppressor; plus strand). Cytogenetic location: 22q12.2.
Variant type: single nucleotide variant.
Coding change: c.1521C>G on transcript NM_000268.4 (MANE Select); coding-DNA position 1521, C replaced by G.
Protein change: p.Phe507Leu; replaces phenylalanine 507 with leucine.
Molecular consequence: missense variant. On other transcripts: non-coding transcript variant (1), intron variant (1).
Genome position (GRCh38, 1-based): chr22:29,678,270, C>G. VCF-style: chr22-29678270-C-G. GRCh37 (hg19) VCF-style: chr22-30074259-C-G.
Other names: c.1407C>G, p.Phe469Leu (NM_001407053.1, NM_001407056.1); c.1398C>G, p.Phe466Leu (NM_001407054.1, NM_001407058.1, NM_181829.3); c.1395C>G, p.Phe465Leu (NM_001407055.1, NM_181828.3); c.1386C>G, p.Phe462Leu (NM_001407057.1, NM_001407059.1); c.1521C>G, p.Phe507Leu (NM_001407060.1, NM_001407066.1, NM_016418.5 and 2 more transcripts); c.1263C>G, p.Phe421Leu (NM_001407062.1); c.1272C>G, p.Phe424Leu (NM_001407063.1, NM_001407064.1, NM_181830.3 and 1 more transcripts); c.987C>G, p.Phe329Leu (NM_001407065.1); and 2 more; short protein forms F329L, F421L, F424L, F430L, F462L, F465L, F466L, F469L.
Identifiers: ClinVar variation 3387405 (VCV003387405.2).
Genomic context (GRCh38, chr22:29,678,270, plus strand): 5'-TCCAGCACCGTTGCCTCCTGACATACCAAGCTTCAACCTCATTGGTGACAGCCTGTCTTT[C>G]GACTTCAAAGATACTGACATGAAGCGGCTTTCCATGGAGATAGAGAAAGAAAAGTATGTA-3'
Protein context (NP_000259.1, residues 497-517): SFNLIGDSLS[Phe507Leu]DFKDTDMKRL